The following is an entry in ClinVar:

ClinVar aggregate classification (germline): Uncertain significance. Review status: criteria provided, multiple submitters, no conflicts (2 of 4 stars). 3 submissions from 3 submitters: Uncertain significance (3). Last evaluated 2025-03-28.

Conditions:
Malignant hyperthermia, susceptibility to, 1 (MHS1). Also called: Anesthesia related hyperthermia; Malignant hyperpyrexia; Fulminating hyperpyrexia; Pharmacogenic myopathy; Malignant hyperthermia suceptibility 1; RYR1-Related Malignant Hyperthermia Susceptibility. Identifiers: Orphanet 423, MedGen C2930980, MONDO:0007783, OMIM 145600.
RYR1-related disorder. Also called: RYR1-related disorders; RYR1-related condition. Identifiers: MedGen CN239331.

Allele frequency attached by ClinVar (database versions not stated): gnomAD exomes 0.00001 and 0.00004; TOPMed 0.00001; gnomAD 0.00002 and 0.00003; ExAC 0.00005; 1000 Genomes Project 30x 0.00016; 1000 Genomes Project 0.00020.
gnomAD v4.1: 23 of 1,614,102 alleles (0.0014%); highest among the groups gnomAD compares: East Asian, 0.049%; no homozygotes.

Submissions (3):

Revvity Omics, Revvity
Classification: Uncertain significance. Last evaluated: 2025-03-28. Review status: criteria provided, single submitter. Criteria: ACMG Guidelines, 2015. Collection method: clinical testing. Allele origin: germline.

All of Us Research Program, National Institutes of Health
Classification: Uncertain significance for Malignant hyperthermia, susceptibility to, 1. Last evaluated: 2024-05-14. Review status: criteria provided, single submitter. Criteria: ACMG Guidelines, 2015. Collection method: clinical testing. Allele origin: germline. Inheritance: Autosomal dominant inheritance. Observed: 4 variant alleles, 4 heterozygotes.
Comment: This missense variant replaces serine with threonine at codon 1957 of the RYR1 protein. Computational prediction suggests that this variant may not impact protein structure and function (internally defined REVEL score threshold <= 0.5, PMID: 27666373). To our knowledge, functional studies have not been reported for this variant. This variant has not been reported in individuals affected with autosomal dominant malignant hyperthermia in the literature, although it has been associated with other phenotype(s) (ClinVar Variation ID: 1425806; PMID: 19797833). This variant has been identified in 10/282718 chromosomes in the general population by the Genome Aggregation Database (gnomAD). The available evidence is insufficient to determine the role of this variant in disease conclusively. Therefore, this variant is classified as a Variant of Uncertain Significance.

This study involves interpretation of variants in research participants for the purpose of population health screening. Participant phenotype was not available at the time of variant classification. Additional details can be found in publication PMID: 35346344, PMCID: PMC8962531

Labcorp Genetics (formerly Invitae), Labcorp
Classification: Uncertain significance for RYR1-related disorder. Last evaluated: 2021-08-28. Review status: criteria provided, single submitter. Criteria: Invitae Variant Classification Sherloc (09022015). Collection method: clinical testing. Allele origin: germline.
Comment: This sequence change replaces serine with threonine at codon 1957 of the RYR1 protein (p.Ser1957Thr). The serine residue is moderately conserved and there is a small physicochemical difference between serine and threonine. This variant is present in population databases (rs192932788, ExAC 0.07%). This missense change has been observed in individual(s) with multi-minicore disease (PMID: 19797833). Advanced modeling of protein sequence and biophysical properties (such as structural, functional, and spatial information, amino acid conservation, physicochemical variation, residue mobility, and thermodynamic stability) performed at Invitae indicates that this missense variant is not expected to disrupt RYR1 protein function. In summary, the available evidence is currently insufficient to determine the role of this variant in disease. Therefore, it has been classified as a Variant of Uncertain Significance.

Literature cited by the submitters: PubMed 19797833 (cited by All of Us Research Program, National Institutes of Health and Labcorp Genetics (formerly Invitae), Labcorp).

NM_000540.3(RYR1):c.5869T>A (p.Ser1957Thr)

Gene: RYR1 (ryanodine receptor 1; plus strand). Cytogenetic location: 19q13.2.
Variant type: single nucleotide variant.
Coding change: c.5869T>A on transcript NM_000540.3 (MANE Select); coding-DNA position 5869, T replaced by A.
Protein change: p.Ser1957Thr; replaces serine 1957 with threonine.
Molecular consequence: missense variant.
Genome position (GRCh38, 1-based): chr19:38,490,130, T>A. VCF-style: chr19-38490130-T-A. GRCh37 (hg19) VCF-style: chr19-38980770-T-A.
Other names: c.5869T>A, p.Ser1957Thr (NM_001042723.2); short protein forms S1957T.
Identifiers: ClinVar variation 1425806 (VCV001425806.8), dbSNP rs192932788, ClinGen allele CA067530.